The following is an entry in ClinVar:

NM_001378418.1(TCF20):c.3397C>G (p.Arg1133Gly)

Gene: TCF20 (transcription factor 20; minus strand). Cytogenetic location: 22q13.2.
Variant type: single nucleotide variant.
Coding change: c.3397C>G on transcript NM_001378418.1 (MANE Select); coding-DNA position 3397, C replaced by G.
Protein change: p.Arg1133Gly; replaces arginine 1133 with glycine.
Molecular consequence: missense variant.
Genome position (GRCh38, 1-based): chr22:42,211,909, G>C on the plus strand (C>G on the coding strand, the complement: TCF20 is on the minus strand). VCF-style: chr22-42211909-G-C. GRCh37 (hg19) VCF-style: chr22-42607915-G-C.
Other names: c.3397C>G, p.Arg1133Gly (NM_005650.4, NM_181492.3); short protein forms R1133G.
Identifiers: ClinVar variation 1311352 (VCV001311352.2), dbSNP rs756751149, ClinGen allele CA411786584.

ClinVar aggregate classification (germline): Uncertain significance (1 of 4 stars; one submission).

Submission:

GeneDx
Classification: Uncertain significance. Last evaluated: 2019-12-20. Review status: criteria provided, single submitter. Criteria: GeneDx Variant Classification Process June 2021. Collection method: clinical testing. Allele origin: germline. Affected: yes.
Comment: Not observed in large population cohorts (Lek et al., 2016); In silico analysis, which includes protein predictors and evolutionary conservation, supports that this variant does not alter protein structure/function; Has not been previously published as pathogenic or benign to our knowledge